The following is an entry in ClinVar:

ClinVar aggregate classification (germline): Uncertain significance (1 of 4 stars; one submission).

Conditions:
Progressive myoclonic epilepsy type 7. Identifiers: Orphanet 435438, MedGen C4015420, MONDO:0014521, OMIM 616187.

Allele frequency attached by ClinVar (database versions not stated): gnomAD 0.00002; gnomAD exomes below 0.00001; TOPMed 0.00001.
gnomAD v4.1: 5 of 1,551,350 alleles (0.00032%); highest among the groups gnomAD compares: African/African-American, 0.0027%; no homozygotes.

Submission:

Labcorp Genetics (formerly Invitae), Labcorp
Classification: Uncertain significance for Progressive myoclonic epilepsy type 7. Last evaluated: 2025-09-14. Review status: criteria provided, single submitter. Criteria: Invitae Variant Classification Sherloc (09022015). Collection method: clinical testing. Allele origin: germline.
Comment: This sequence change replaces alanine, which is neutral and non-polar, with threonine, which is neutral and polar, at codon 525 of the KCNC1 protein (p.Ala525Thr). This variant is present in population databases (no rsID available, gnomAD 0.06%). This variant has not been reported in the literature in individuals affected with KCNC1-related conditions. ClinVar contains an entry for this variant (Variation ID: 2919387). Invitae Evidence Modeling of protein sequence and biophysical properties (such as structural, functional, and spatial information, amino acid conservation, physicochemical variation, residue mobility, and thermodynamic stability) indicates that this missense variant is not expected to disrupt KCNC1 protein function with a negative predictive value of 95%. In summary, the available evidence is currently insufficient to determine the role of this variant in disease. Therefore, it has been classified as a Variant of Uncertain Significance.

NM_001112741.2(KCNC1):c.1573G>A (p.Ala525Thr)

Gene: KCNC1 (potassium voltage-gated channel subfamily C member 1; plus strand). Cytogenetic location: 11p15.1.
Variant type: single nucleotide variant.
Coding change: c.1573G>A on transcript NM_001112741.2 (MANE Select); coding-DNA position 1573, G replaced by A.
Protein change: p.Ala525Thr; replaces alanine 525 with threonine.
Molecular consequence: missense variant.
Genome position (GRCh38, 1-based): chr11:17,779,524, G>A. VCF-style: chr11-17779524-G-A. GRCh37 (hg19) VCF-style: chr11-17801071-G-A.
Other names: short protein forms A525T.
Identifiers: ClinVar variation 2919387 (VCV002919387.3), dbSNP rs1238462283, ClinGen allele CA379814209.
Genomic context (GRCh38, chr11:17,779,524, plus strand): 5'-CTGAATGGGGAGGTGGCGAAGGCCGCGCTGGCGAACGAAGACTGCCCCCACATAGACCAG[G>A]CCCTCACTCCCGATGAGGGCCTGCCCTTTACGCGCTCGGGCACCCGCGAGAGATACGGAC-3'
Protein context (NP_001106212.1, residues 515-535): ANEDCPHIDQ[Ala525Thr]LTPDEGLPFT